The following is an entry in ClinVar:

NM_145649.5(GCNT2):c.640A>C (p.Asn214His)

Gene: GCNT2 (glucosaminyl (N-acetyl) transferase 2 (I blood group); plus strand). Cytogenetic location: 6p24.3.
Variant type: single nucleotide variant.
Coding change: c.640A>C on transcript NM_145649.5 (MANE Select); coding-DNA position 640, A replaced by C.
Protein change: p.Asn214His; replaces asparagine 214 with histidine.
Molecular consequence: missense variant.
Genome position (GRCh38, 1-based): chr6:10,529,551, A>C. VCF-style: chr6-10529551-A-C. GRCh37 (hg19) VCF-style: chr6-10529784-A-C.
Other names: c.640A>C, p.Asn214His (NM_001374747.1); short protein forms N214H.
Identifiers: ClinVar variation 2250933 (VCV002250933.3), dbSNP rs771800934, ClinGen allele CA3631785.

ClinVar aggregate classification (germline): Uncertain significance. Review status: criteria provided, multiple submitters, no conflicts (2 of 4 stars). 2 submissions from 2 submitters: Uncertain significance (2). Last evaluated 2024-12-02.

Conditions:
Inborn genetic diseases. Identifiers: MedGen C0950123, MeSH D030342.
GCNT2-related disorder. Also called: GCNT2-related condition.

Allele frequency attached by ClinVar (database versions not stated): ExAC 0.00001; gnomAD exomes 0.00001; gnomAD 0.00007; TOPMed 0.00008.
gnomAD v4.1: 23 of 1,614,056 alleles (0.0014%); highest among the groups gnomAD compares: African/African-American, 0.028%; no homozygotes.

Submissions (2):

PreventionGenetics, part of Exact Sciences
Classification: Uncertain significance for GCNT2-related condition. Last evaluated: 2024-12-02. Review status: criteria provided, single submitter. Criteria: ACMG Guidelines, 2015. Collection method: clinical testing. Allele origin: germline.
Comment: The GCNT2 c.640A>C variant is predicted to result in the amino acid substitution p.Asn214His. In the GCNT2 transcript that is specific to the lens of the eye (NM_001491.2), this variant is found within a non-coding region (c.-26873A>C). To our knowledge, this variant has not been reported in the literature. This variant is reported in 0.020% of alleles in individuals of African descent in gnomAD. At this time, the clinical significance of this variant is uncertain due to the absence of conclusive functional and genetic evidence.

Ambry Genetics
Classification: Uncertain significance for Inborn genetic diseases. Last evaluated: 2021-09-16. Review status: criteria provided, single submitter. Criteria: Ambry Variant Classification Scheme 2023. Collection method: clinical testing. Allele origin: germline.